The following is an entry in ClinVar:

ClinVar aggregate classification (germline): Likely pathogenic (1 of 4 stars; one submission).

Submission:

Labcorp Genetics (formerly Invitae), Labcorp
Classification: Likely pathogenic. Last evaluated: 2022-04-07. Review status: criteria provided, single submitter. Criteria: Invitae Variant Classification Sherloc (09022015). Collection method: clinical testing. Allele origin: germline.
Comment: In summary, the currently available evidence indicates that the variant is pathogenic, but additional data are needed to prove that conclusively. Therefore, this variant has been classified as Likely Pathogenic. Algorithms developed to predict the effect of sequence changes on RNA splicing suggest that this variant may disrupt the consensus splice site. This variant has not been reported in the literature in individuals affected with COL11A1-related conditions. This variant is not present in population databases (gnomAD no frequency). This sequence change affects an acceptor splice site in intron 51 of the COL11A1 gene. It is expected to disrupt RNA splicing. Variants that disrupt the donor or acceptor splice site typically lead to a loss of protein function (PMID: 16199547), and loss-of-function variants in COL11A1 are known to be pathogenic (PMID: 20513134, 21035103, 23922384, 25240749, 32427345, 32756486).

Literature cited by the submitters: PubMed 16199547; PubMed 20513134; PubMed 21035103; PubMed 23922384; PubMed 25240749; PubMed 32427345; PubMed 32756486.

NM_001854.4(COL11A1):c.3925-2A>G

Gene: COL11A1 (collagen type XI alpha 1 chain; minus strand). Cytogenetic location: 1p21.1.
Variant type: single nucleotide variant.
Coding change: c.3925-2A>G on transcript NM_001854.4 (MANE Select); the canonical splice acceptor site of the intron before coding-DNA position 3925, A replaced by G.
Molecular consequence: splice acceptor variant.
Genome position (GRCh38, 1-based): chr1:102,914,407, T>C on the plus strand (A>G on the coding strand, the complement: COL11A1 is on the minus strand). VCF-style: chr1-102914407-T-C. GRCh37 (hg19) VCF-style: chr1-103379963-T-C.
Other names: c.3808-2A>G (NM_001190709.2); c.3961-2A>G (NM_080629.3); c.3577-2A>G (NM_080630.4).
Identifiers: ClinVar variation 2122479 (VCV002122479.4), dbSNP rs2524479833, ClinGen allele CA341161066.